The following is an entry in ClinVar:

NM_001384474.1(LOXHD1):c.4213-2A>G

Gene: LOXHD1 (lipoxygenase homology PLAT domains 1; minus strand). Cytogenetic location: 18q21.1.
Variant type: single nucleotide variant.
Coding change: c.4213-2A>G on transcript NM_001384474.1 (MANE Select); the canonical splice acceptor site of the intron before coding-DNA position 4213, A replaced by G.
Molecular consequence: splice acceptor variant.
Genome position (GRCh38, 1-based): chr18:46,533,326, T>C on the plus strand (A>G on the coding strand, the complement: LOXHD1 is on the minus strand). VCF-style: chr18-46533326-T-C. GRCh37 (hg19) VCF-style: chr18-44113289-T-C.
Other names: c.880-2A>G (NM_001145472.3); c.592-2A>G (NM_001308013.2); c.4213-2A>G (NM_144612.7).
Identifiers: ClinVar variation 1466067 (VCV001466067.6), dbSNP rs1317094682, ClinGen allele CA402375428.

ClinVar aggregate classification (germline): Likely pathogenic (1 of 4 stars; one submission).

gnomAD v4.1: 1 of 1,551,458 alleles (0.000064%); highest among the groups gnomAD compares: South Asian, 0.0012%; no homozygotes.

Submission:

Labcorp Genetics (formerly Invitae), Labcorp
Classification: Likely pathogenic. Last evaluated: 2024-01-02. Review status: criteria provided, single submitter. Criteria: Invitae Variant Classification Sherloc (09022015). Collection method: clinical testing. Allele origin: germline.
Comment: This sequence change affects an acceptor splice site in intron 27 of the LOXHD1 gene. It is expected to disrupt RNA splicing. Variants that disrupt the donor or acceptor splice site typically lead to a loss of protein function (PMID: 16199547), and loss-of-function variants in LOXHD1 are known to be pathogenic (PMID: 19732867, 21465660, 25792669). This variant is not present in population databases (gnomAD no frequency). This variant has not been reported in the literature in individuals affected with LOXHD1-related conditions. ClinVar contains an entry for this variant (Variation ID: 1466067). Algorithms developed to predict the effect of sequence changes on RNA splicing suggest that this variant may disrupt the consensus splice site. In summary, the currently available evidence indicates that the variant is pathogenic, but additional data are needed to prove that conclusively. Therefore, this variant has been classified as Likely Pathogenic.

Literature cited by the submitters: PubMed 16199547; PubMed 19732867; PubMed 21465660; PubMed 25792669.